The following is an entry in ClinVar:

NM_004782.4(SNAP29):c.*614C>G

Gene: SNAP29 (synaptosome associated protein 29; plus strand). Cytogenetic location: 22q11.21.
Variant type: single nucleotide variant.
Coding change: c.*614C>G on transcript NM_004782.4 (MANE Select); 614 bases downstream of the stop codon, C replaced by G.
Molecular consequence: 3 prime UTR variant.
Genome position (GRCh38, 1-based): chr22:20,888,450, C>G. VCF-style: chr22-20888450-C-G. GRCh37 (hg19) VCF-style: chr22-21242738-C-G.
Identifiers: ClinVar variation 340855 (VCV000340855.5), dbSNP rs192171507, ClinGen allele CA10645129.

ClinVar aggregate classification (germline): Likely benign (1 of 4 stars; one submission).

Conditions:
CEDNIK syndrome. Also called: CEREBRAL DYSGENESIS, NEUROPATHY, ICHTHYOSIS, AND PALMOPLANTAR KERATODERMA SYNDROME; Cerebral dysgenesis, neuropathy, ichthyosis, and palmoplantar keratoderma. Identifiers: Orphanet 66631, MedGen C1836033, MONDO:0012290, OMIM 609528.

Allele frequency attached by ClinVar (database versions not stated): 1000 Genomes Project 0.00100; 1000 Genomes Project 30x 0.00141; gnomAD 0.00222 and 0.00226; TOPMed 0.00235.
gnomAD v4.1: 357 of 164,940 alleles (0.22%); highest among the groups gnomAD compares: Middle Eastern, 0.65%; no homozygotes.

Submission:

Illumina Laboratory Services, Illumina
Classification: Likely benign for CEDNIK syndrome. Last evaluated: 2018-01-13. Review status: criteria provided, single submitter. Criteria: ICSL Variant Classification Criteria 13 December 2019. Collection method: clinical testing. Allele origin: germline.
Comment: This variant was observed in the ICSL laboratory as part of a predisposition screen in an ostensibly healthy population. It had not been previously curated by ICSL or reported in the Human Gene Mutation Database (HGMD: prior to June 1st, 2018), and was therefore a candidate for classification through an automated scoring system. Utilizing variant allele frequency, disease prevalence and penetrance estimates, and inheritance mode, an automated score was calculated to assess if this variant is too frequent to cause the disease. Based on the score and internal cut-off values, a variant classified as likely benign is not then subjected to further curation. The score for this variant resulted in a classification of likely benign for this disease.